The following is an entry in ClinVar:

NM_153766.3(KCNJ1):c.197T>A (p.Ile66Asn)

Gene: KCNJ1 (potassium inwardly rectifying channel subfamily J member 1; minus strand). Cytogenetic location: 11q24.3.
Variant type: single nucleotide variant.
Coding change: c.197T>A on transcript NM_153766.3 (MANE Select); coding-DNA position 197, T replaced by A.
Protein change: p.Ile66Asn; replaces isoleucine 66 with asparagine.
Molecular consequence: missense variant.
Genome position (GRCh38, 1-based): chr11:128,840,047, A>T on the plus strand (T>A on the coding strand, the complement: KCNJ1 is on the minus strand). VCF-style: chr11-128840047-A-T. GRCh37 (hg19) VCF-style: chr11-128709942-A-T.
Other names: c.254T>A, p.Ile85Asn (NM_000220.6); c.197T>A, p.Ile66Asn (NM_153764.3, NM_153767.4); c.248T>A, p.Ile83Asn (NM_153765.3); short protein forms I66N, I83N, I85N.
Identifiers: ClinVar variation 2573381 (VCV002573381.2), dbSNP rs189845122, ClinGen allele CA6357555.
Genomic context (GRCh38, chr11:128,840,047, plus strand): 5'-ATGTACGCTACTGCATACCACAGGAGACCAAAGAAAAACCAACTCCCCAAGAAGGCTGTG[A>T]TGAAAATGGTCATTTTGTATCTCCACTTGAGGTCAAGTACCGTTGTCCAGATGTCCACAA-3'
Protein context (NP_722450.1, residues 56-76): LKWRYKMTIF[Ile66Asn]TAFLGSWFFF

ClinVar aggregate classification (germline): Uncertain significance. Review status: criteria provided, multiple submitters, no conflicts (2 of 4 stars). 2 submissions from 2 submitters: Uncertain significance (2). Last evaluated 2023-07-11.

Conditions:
Bartter disease type 2. Also called: HYPERPROSTAGLANDIN E SYNDROME 2; Bartter syndrome, type 2, antenatal; HYPOKALEMIC ALKALOSIS WITH HYPERCALCIURIA 2, ANTENATAL. Identifiers: Orphanet 112, Orphanet 620220, MedGen C1855849, MONDO:0009424, OMIM 241200.

Allele frequency attached by ClinVar (database versions not stated): gnomAD exomes below 0.00001; TOPMed below 0.00001; ExAC 0.00002; gnomAD 0.00002; 1000 Genomes Project 30x 0.00047; 1000 Genomes Project 0.00060.
gnomAD v4.1: 11 of 1,614,232 alleles (0.00068%); highest among the groups gnomAD compares: East Asian, 0.022%; no homozygotes.

Submissions (2):

Department of Pathology and Laboratory Medicine, Sinai Health System
Classification: Uncertain significance for Bartter disease type 2. Last evaluated: 2023-07-11. Review status: criteria provided, single submitter. Criteria: ACMG Guidelines, 2015. Collection method: research. Allele origin: germline.

Women's Health and Genetics/Laboratory Corporation of America, LabCorp
Classification: Uncertain significance. Last evaluated: 2023-06-07. Review status: criteria provided, single submitter. Criteria: LabCorp Variant Classification Summary - May 2015. Collection method: clinical testing. Allele origin: germline.
Comment: Variant summary: KCNJ1 c.254T>A (p.Ile85Asn) results in a non-conservative amino acid change located in the Potassium channel, inwardly rectifying, transmembrane domain (IPR040445) of the encoded protein sequence. Five of five in-silico tools predict a damaging effect of the variant on protein function. The variant allele was found at a frequency of 2.8e-05 in 251272 control chromosomes. The available data on variant occurrences in the general population are insufficient to allow any conclusion about variant significance. c.254T>A has been reported in the literature in at least one compound heterozygous individual affected with Bartter Syndrome, Type 2 (Gollasch_2017). These data do not allow any conclusion about variant significance. To our knowledge, no experimental evidence demonstrating an impact on protein function has been reported. The following publication has been ascertained in the context of this evaluation (PMID: 28979772). No clinical diagnostic laboratories have submitted clinical-significance assessments for this variant to ClinVar after 2014. Based on the evidence outlined above, the variant was classified as uncertain significance.

Literature cited by the submitters: PubMed 28979772 (cited by Women's Health and Genetics/Laboratory Corporation of America, LabCorp).